The following is an entry in ClinVar:

ClinVar aggregate classification (germline): Uncertain significance (1 of 4 stars; one submission).

gnomAD v4.1: 5 of 1,612,406 alleles (0.00031%); highest among the groups gnomAD compares: Non-Finnish European, 0.00042%; no homozygotes.

Submission:

GeneDx
Classification: Uncertain significance. Last evaluated: 2024-02-13. Review status: criteria provided, single submitter. Criteria: GeneDx Variant Classification Process June 2021. Collection method: clinical testing. Allele origin: germline. Affected: yes.
Comment: Not observed at significant frequency in large population cohorts (gnomAD); In silico analysis supports a deleterious effect on splicing; Has not been previously published as pathogenic or benign to our knowledge

NM_001267550.2(TTN):c.46055A>G (p.Asp15352Gly)

Gene: TTN (titin; minus strand). Cytogenetic location: 2q31.2.
Variant type: single nucleotide variant.
Coding change: c.46055A>G on transcript NM_001267550.2 (MANE Select); coding-DNA position 46055, A replaced by G.
Protein change: p.Asp15352Gly; replaces aspartic acid 15352 with glycine.
Molecular consequence: missense variant.
Genome position (GRCh38, 1-based): chr2:178,620,466, T>C on the plus strand (A>G on the coding strand, the complement: TTN is on the minus strand). VCF-style: chr2-178620466-T-C. GRCh37 (hg19) VCF-style: chr2-179485193-T-C.
Other names: c.41132A>G, p.Asp13711Gly (NM_001256850.1); c.18860A>G, p.Asp6287Gly (NM_003319.4); c.38351A>G, p.Asp12784Gly (NM_133378.4); c.19235A>G, p.Asp6412Gly (NM_133432.3); c.19436A>G, p.Asp6479Gly (NM_133437.4); short protein forms D12784G, D13711G, D15352G, D6287G, D6412G, D6479G.
Identifiers: ClinVar variation 3369202 (VCV003369202.1).